The following is an entry in ClinVar:

ClinVar aggregate classification (germline): Uncertain significance (1 of 4 stars; one submission).

Conditions:
2-aminoadipic 2-oxoadipic aciduria (AAKAD). Also called: Aminoadipic aciduria; ALPHA-AMINOADIPIC AND ALPHA-KETOADIPIC ACIDURIA. Identifiers: Orphanet 79154, MedGen C1859817, MONDO:0008774, OMIM 204750.

Submission:

Labcorp Genetics (formerly Invitae), Labcorp
Classification: Uncertain significance for 2-aminoadipic 2-oxoadipic aciduria. Last evaluated: 2024-02-21. Review status: criteria provided, single submitter. Criteria: Invitae Variant Classification Sherloc (09022015). Collection method: clinical testing. Allele origin: germline.
Comment: This sequence change replaces glutamic acid, which is acidic and polar, with aspartic acid, which is acidic and polar, at codon 175 of the DHTKD1 protein (p.Glu175Asp). This variant is not present in population databases (gnomAD no frequency). This variant has not been reported in the literature in individuals affected with DHTKD1-related conditions. An algorithm developed to predict the effect of missense changes on protein structure and function (PolyPhen-2) suggests that this variant is likely to be tolerated. In summary, the available evidence is currently insufficient to determine the role of this variant in disease. Therefore, it has been classified as a Variant of Uncertain Significance.

NM_018706.7(DHTKD1):c.525G>T (p.Glu175Asp)

Gene: DHTKD1 (dehydrogenase E1 and transketolase domain containing 1; plus strand). Cytogenetic location: 10p14.
Variant type: single nucleotide variant.
Coding change: c.525G>T on transcript NM_018706.7 (MANE Select); coding-DNA position 525, G replaced by T.
Protein change: p.Glu175Asp; replaces glutamic acid 175 with aspartic acid.
Molecular consequence: missense variant.
Genome position (GRCh38, 1-based): chr10:12,087,537, G>T. VCF-style: chr10-12087537-G-T. GRCh37 (hg19) VCF-style: chr10-12129536-G-T.
Other names: short protein forms E175D.
Identifiers: ClinVar variation 3695340 (VCV003695340.2).